The following is an entry in ClinVar:

NM_018975.4(TERF2IP):c.464C>T (p.Pro155Leu)

Gene: TERF2IP (TERF2 interacting protein; plus strand). Cytogenetic location: 16q23.1.
Variant type: single nucleotide variant.
Coding change: c.464C>T on transcript NM_018975.4 (MANE Select); coding-DNA position 464, C replaced by T.
Protein change: p.Pro155Leu; replaces proline 155 with leucine.
Molecular consequence: missense variant. On other transcripts: non-coding transcript variant (1).
Genome position (GRCh38, 1-based): chr16:75,648,346, C>T. VCF-style: chr16-75648346-C-T. GRCh37 (hg19) VCF-style: chr16-75682244-C-T.
Other names: short protein forms P155L.
Identifiers: ClinVar variation 3176162 (VCV003176162.2), dbSNP rs1369864468, ClinGen allele CA396817959.

ClinVar aggregate classification (germline): Uncertain significance (1 of 4 stars; one submission).

Submission:

Ambry Genetics
Classification: Uncertain significance. Last evaluated: 2024-11-17. Review status: criteria provided, single submitter. Criteria: Ambry Variant Classification Scheme 2023. Collection method: clinical testing. Allele origin: germline.
Comment: The p.P155L variant (also known as c.464C>T), located in coding exon 1 of the TERF2IP gene, results from a C to T substitution at nucleotide position 464. The proline at codon 155 is replaced by leucine, an amino acid with similar properties. This amino acid position is conserved. In addition, this alteration is predicted to be tolerated by in silico analysis. Based on the available evidence, the clinical significance of this variant remains unclear.